The following is an entry in ClinVar:

NM_001379286.1(ZNF423):c.3781G>A (p.Gly1261Arg)

Gene: ZNF423 (zinc finger protein 423; minus strand). Cytogenetic location: 16q12.1.
Variant type: single nucleotide variant.
Coding change: c.3781G>A on transcript NM_001379286.1 (MANE Select); coding-DNA position 3781, G replaced by A.
Protein change: p.Gly1261Arg; replaces glycine 1261 with arginine.
Molecular consequence: missense variant.
Genome position (GRCh38, 1-based): chr16:49,523,692, C>T on the plus strand (G>A on the coding strand, the complement: ZNF423 is on the minus strand). VCF-style: chr16-49523692-C-T. GRCh37 (hg19) VCF-style: chr16-49557603-C-T.
Other names: c.3577G>A, p.Gly1193Arg (NM_001271620.2); c.3406G>A, p.Gly1136Arg (NM_001330533.2); c.3757G>A, p.Gly1253Arg (NM_015069.5); short protein forms G1261R, G1193R, G1136R, G1253R.
Identifiers: ClinVar variation 1986065 (VCV001986065.4), dbSNP rs1189626069, ClinGen allele CA395830122.

ClinVar aggregate classification (germline): Uncertain significance (1 of 4 stars; one submission).

Conditions:
Nephronophthisis 14 (NPHP14). Identifiers: Orphanet 2318, MedGen C3539071, MONDO:0013916, OMIM 614844.

Allele frequency attached by ClinVar (database versions not stated): gnomAD exomes 0.00001; TOPMed 0.00001.
gnomAD v4.1: 19 of 1,614,136 alleles (0.0012%); highest among the groups gnomAD compares: South Asian, 0.0022%; no homozygotes.

Submission:

Labcorp Genetics (formerly Invitae), Labcorp
Classification: Uncertain significance for Nephronophthisis 14. Last evaluated: 2024-12-09. Review status: criteria provided, single submitter. Criteria: Invitae Variant Classification Sherloc (09022015). Collection method: clinical testing. Allele origin: germline.
Comment: This sequence change replaces glycine, which is neutral and non-polar, with arginine, which is basic and polar, at codon 1253 of the ZNF423 protein (p.Gly1253Arg). This variant is present in population databases (no rsID available, gnomAD 0.003%). This variant has not been reported in the literature in individuals affected with ZNF423-related conditions. ClinVar contains an entry for this variant (Variation ID: 1986065). Invitae Evidence Modeling of protein sequence and biophysical properties (such as structural, functional, and spatial information, amino acid conservation, physicochemical variation, residue mobility, and thermodynamic stability) has been performed for this missense variant. However, the output from this modeling did not meet the statistical confidence thresholds required to predict the impact of this variant on ZNF423 protein function. In summary, the available evidence is currently insufficient to determine the role of this variant in disease. Therefore, it has been classified as a Variant of Uncertain Significance.